The following is an entry in ClinVar:

NM_000405.5(GM2A):c.539G>C (p.Arg180Pro)

Gene: GM2A (ganglioside GM2 activator; plus strand). Cytogenetic location: 5q33.1.
Variant type: single nucleotide variant.
Coding change: c.539G>C on transcript NM_000405.5 (MANE Select); coding-DNA position 539, G replaced by C.
Protein change: p.Arg180Pro; replaces arginine 180 with proline.
Molecular consequence: missense variant. On other transcripts: intron variant (1).
Genome position (GRCh38, 1-based): chr5:151,267,408, G>C. VCF-style: chr5-151267408-G-C. GRCh37 (hg19) VCF-style: chr5-150646969-G-C.
Other names: c.413-84G>C (NM_001167607.3); short protein forms R180P.
Identifiers: ClinVar variation 2070832 (VCV002070832.1), dbSNP rs368576623, ClinGen allele CA3517998.

ClinVar aggregate classification (germline): Uncertain significance (1 of 4 stars; one submission).

Conditions:
Tay-Sachs disease, variant AB. Also called: Gm2-gangliosidosis, ab variant; GM2 Activator Deficiency. Identifiers: Orphanet 309246, MedGen C0268275, MONDO:0010099, OMIM 272750.

gnomAD v4.1: 128 of 1,614,094 alleles (0.0079%); highest among the groups gnomAD compares: South Asian, 0.058%; 2 homozygotes.

Submission:

Labcorp Genetics (formerly Invitae), Labcorp
Classification: Uncertain significance for Tay-Sachs disease, variant AB. Last evaluated: 2022-05-12. Review status: criteria provided, single submitter. Criteria: Invitae Variant Classification Sherloc (09022015). Collection method: clinical testing. Allele origin: germline.
Comment: This sequence change replaces arginine, which is basic and polar, with proline, which is neutral and non-polar, at codon 180 of the GM2A protein (p.Arg180Pro). This variant is present in population databases (rs368576623, gnomAD 0.05%). This variant has not been reported in the literature in individuals affected with GM2A-related conditions. Algorithms developed to predict the effect of missense changes on protein structure and function are either unavailable or do not agree on the potential impact of this missense change (SIFT: "Deleterious"; PolyPhen-2: "Probably Damaging"; Align-GVGD: "Class C15"). In summary, the available evidence is currently insufficient to determine the role of this variant in disease. Therefore, it has been classified as a Variant of Uncertain Significance.